The following is an entry in ClinVar:

ClinVar aggregate classification (germline): Uncertain significance (1 of 4 stars; one submission).

Allele frequency attached by ClinVar (database versions not stated): gnomAD exomes below 0.00001.
gnomAD v4.1: 2 of 1,612,428 alleles (0.00012%); highest among the groups gnomAD compares: Non-Finnish European, 0.000085%; no homozygotes.

Submission:

Labcorp Genetics (formerly Invitae), Labcorp
Classification: Uncertain significance. Last evaluated: 2022-06-04. Review status: criteria provided, single submitter. Criteria: Invitae Variant Classification Sherloc (09022015). Collection method: clinical testing. Allele origin: germline.
Comment: This sequence change replaces arginine, which is basic and polar, with glycine, which is neutral and non-polar, at codon 23 of the RBP4 protein (p.Arg23Gly). This variant is present in population databases (no rsID available, gnomAD 0.006%). This variant has not been reported in the literature in individuals affected with RBP4-related conditions. ClinVar contains an entry for this variant (Variation ID: 1428585). Algorithms developed to predict the effect of missense changes on protein structure and function are either unavailable or do not agree on the potential impact of this missense change (SIFT: "Deleterious"; PolyPhen-2: "Benign"; Align-GVGD: "Class C0"). In summary, the available evidence is currently insufficient to determine the role of this variant in disease. Therefore, it has been classified as a Variant of Uncertain Significance.

NM_006744.4(RBP4):c.67C>G (p.Arg23Gly)

Gene: RBP4 (retinol binding protein 4; minus strand). Cytogenetic location: 10q23.33.
Variant type: single nucleotide variant.
Coding change: c.67C>G on transcript NM_006744.4 (MANE Select); coding-DNA position 67, C replaced by G.
Protein change: p.Arg23Gly; replaces arginine 23 with glycine.
Molecular consequence: missense variant.
Genome position (GRCh38, 1-based): chr10:93,600,962, G>C on the plus strand (C>G on the coding strand, the complement: RBP4 is on the minus strand). VCF-style: chr10-93600962-G-C. GRCh37 (hg19) VCF-style: chr10-95360719-G-C.
Other names: c.67C>G, p.Arg23Gly (NM_001323517.1); c.61C>G, p.Arg21Gly (NM_001323518.2); short protein forms R21G, R23G.
Identifiers: ClinVar variation 1428585 (VCV001428585.6), dbSNP rs1259782555, ClinGen allele CA377618814.